The following is an entry in ClinVar:

NM_000245.4(MET):c.1518T>C (p.Thr506=)

Gene: MET (MET proto-oncogene, receptor tyrosine kinase; plus strand). Cytogenetic location: 7q31.2.
Variant type: single nucleotide variant.
Coding change: c.1518T>C on transcript NM_000245.4 (MANE Select); coding-DNA position 1518, T replaced by C.
Protein change: p.Thr506=; no amino-acid change (threonine 506 retained).
Molecular consequence: synonymous variant.
Genome position (GRCh38, 1-based): chr7:116,740,075, T>C. VCF-style: chr7-116740075-T-C. GRCh37 (hg19) VCF-style: chr7-116380129-T-C.
Other names: c.1518T>C, p.Thr506= (NM_001127500.3, NM_001324401.3); c.228T>C, p.Thr76= (NM_001324402.2).
Identifiers: ClinVar variation 798978 (VCV000798978.14), dbSNP rs902884572, ClinGen allele CA164872915.

ClinVar aggregate classification (germline): Benign/Likely benign. Review status: criteria provided, multiple submitters, no conflicts (2 of 4 stars). 3 submissions from 3 submitters: Benign (1); Likely benign (2). Last evaluated 2024-11-07.

Conditions:
Renal cell carcinoma. Identifiers: Orphanet 217071, MedGen C0007134, MeSH D002292, MONDO:0005086, HP:0005584.
Hereditary cancer-predisposing syndrome. Also called: Tumor predisposition; Neoplastic Syndromes, Hereditary; Hereditary Cancer Syndrome; Hereditary neoplastic syndrome. Identifiers: Orphanet 140162, MedGen C0027672, MeSH D009386, MONDO:0015356.
Papillary renal cell carcinoma type 1 (RCCP1). Also called: Renal adenocarcinoma; Renal cell carcinoma 1; Renal cell carcinoma, somatic; RENAL CELL CARCINOMA, PAPILLARY, 1, SOMATIC. Identifiers: Orphanet 47044, MedGen C1336839, OMIM 605074, HP:0011797.

Submissions (3):

Myriad Genetics, Inc.
Classification: Benign for Papillary renal cell carcinoma type 1. Last evaluated: 2024-11-07. Review status: criteria provided, single submitter. Criteria: Myriad Autosomal Dominant, Autosomal Recessive and X-Linked Classification Criteria (2023). Collection method: clinical testing. Allele origin: unknown.
Comment: This variant is considered benign. This variant is a silent/synonymous amino acid change and it is not expected to impact splicing.

Labcorp Genetics (formerly Invitae), Labcorp
Classification: Likely benign for Renal cell carcinoma. Last evaluated: 2022-05-14. Review status: criteria provided, single submitter. Criteria: Invitae Variant Classification Sherloc (09022015). Collection method: clinical testing. Allele origin: germline.

Ambry Genetics
Classification: Likely benign for Hereditary cancer-predisposing syndrome. Last evaluated: 2020-05-18. Review status: criteria provided, single submitter. Criteria: Ambry Variant Classification Scheme 2023. Collection method: clinical testing. Allele origin: germline.